The following is an entry in ClinVar:

ClinVar aggregate classification (germline): Pathogenic (1 of 4 stars; one submission).

Conditions:
Curry-Hall syndrome (WAD). Also called: WEYERS ACRODENTAL DYSOSTOSIS. Identifiers: Orphanet 952, MedGen C0457013, MONDO:0008673, OMIM 193530.
Ellis-van Creveld syndrome (EVC). Also called: EVC-Related Ellis-van Creveld Syndrome; EVC2-Related Ellis-van Creveld Syndrome; Chondroectodermal dysplasia; MESOECTODERMAL DYSPLASIA. Identifiers: Orphanet 289, MedGen C0013903, MONDO:0009162, OMIM 225500.

Allele frequency attached by ClinVar (database versions not stated): gnomAD 0.00001.

Submission:

Labcorp Genetics (formerly Invitae), Labcorp
Classification: Pathogenic for Curry-Hall syndrome; Ellis-van Creveld syndrome. Last evaluated: 2024-12-18. Review status: criteria provided, single submitter. Criteria: Invitae Variant Classification Sherloc (09022015). Collection method: clinical testing. Allele origin: germline.
Comment: This sequence change creates a premature translational stop signal (p.Val1255Tyrfs*4) in the EVC2 gene. While this is not anticipated to result in nonsense mediated decay, it is expected to disrupt the last 54 amino acid(s) of the EVC2 protein. This variant is not present in population databases (gnomAD no frequency). This premature translational stop signal has been observed in individual(s) with clinical features of autosomal dominant Weyers acrofacial dysostosis (internal data). ClinVar contains an entry for this variant (Variation ID: 639672). Experimental studies and prediction algorithms are not available or were not evaluated, and the functional significance of this variant is currently unknown. For these reasons, this variant has been classified as Pathogenic.

NM_147127.5(EVC2):c.3762del (p.Val1255fs)

Gene: EVC2 (EvC ciliary complex subunit 2; minus strand). Cytogenetic location: 4p16.2.
Variant type: Deletion.
Coding change: c.3762del on transcript NM_147127.5 (MANE Select); coding-DNA position 3762, one base deleted (T; older notation c.3762delT).
Protein change: p.Val1255fs; shifts the reading frame from valine 1255.
Molecular consequence: frameshift variant.
Genome position (GRCh38, 1-based): chr4:5,563,013, A deleted on the plus strand (T on the coding strand, the reverse complement: EVC2 is on the minus strand). VCF-style (leftmost placement, unchanged base first): chr4-5563012-CA-C. GRCh37 (hg19) VCF-style: chr4-5564739-CA-C.
Other names: c.3522del, p.Val1175fs (NM_001166136.2); short protein forms V1175fs, V1255fs.
Identifiers: ClinVar variation 639672 (VCV000639672.9), dbSNP rs1577093258, ClinGen allele CA915944120.
Genomic context (GRCh38, chr4:5,563,012, plus strand): 5'-ATATAAAGAGCTTCTCTCCTGTGTTTAATAGATCAATGGTTTCTGCCCCTACAATGGGTA[CA>C]GGGGCCAGTTCGCCAATGGGCTCCAGTGACAGGTGTGGCCAACTTCCTTTTCCAGAGAAT-3'